The following is an entry in ClinVar:

ClinVar aggregate classification (germline): Uncertain significance (1 of 4 stars; one submission).

Conditions:
Hereditary cancer-predisposing syndrome. Also called: Hereditary neoplastic syndrome; Neoplastic Syndromes, Hereditary; Tumor predisposition; Hereditary Cancer Syndrome. Identifiers: Orphanet 140162, MedGen C0027672, MeSH D009386, MONDO:0015356.

Submission:

Ambry Genetics
Classification: Uncertain significance for Hereditary cancer-predisposing syndrome. Last evaluated: 2025-07-07. Review status: criteria provided, single submitter. Criteria: Ambry Variant Classification Scheme 2023. Collection method: clinical testing. Allele origin: germline.
Comment: The p.I71S variant (also known as c.212T>G), located in coding exon 3 of the POLE gene, results from a T to G substitution at nucleotide position 212. The isoleucine at codon 71 is replaced by serine, an amino acid with dissimilar properties. This amino acid position is conserved. In addition, the in silico prediction for this alteration is inconclusive. Based on the available evidence, the clinical significance of this variant remains unclear.

NM_006231.4(POLE):c.212T>G (p.Ile71Ser)

Gene: POLE (DNA polymerase epsilon, catalytic subunit; minus strand). Cytogenetic location: 12q24.33.
Variant type: single nucleotide variant.
Coding change: c.212T>G on transcript NM_006231.4 (MANE Select); coding-DNA position 212, T replaced by G.
Protein change: p.Ile71Ser; replaces isoleucine 71 with serine.
Molecular consequence: missense variant.
Genome position (GRCh38, 1-based): chr12:132,680,680, A>C on the plus strand (T>G on the coding strand, the complement: POLE is on the minus strand). VCF-style: chr12-132680680-A-C. GRCh37 (hg19) VCF-style: chr12-133257266-A-C.
Other names: short protein forms I71S.
Identifiers: ClinVar variation 4141152 (VCV004141152.1).